The following is an entry in ClinVar:

ClinVar aggregate classification (germline): Likely benign (0 of 4 stars; one submission).

Conditions:
LIG3-related disorder. Also called: LIG3-related condition.

Allele frequency attached by ClinVar (database versions not stated): gnomAD exomes 0.00004; gnomAD 0.00016; ExAC 0.00017; TOPMed 0.00018; ESP Exome Variant Server 0.00023; 1000 Genomes Project 30x 0.00031; 1000 Genomes Project 0.00040.
gnomAD v4.1: 93 of 1,614,104 alleles (0.0058%); highest among the groups gnomAD compares: East Asian, 0.12%; no homozygotes.

Submission:

PreventionGenetics, part of Exact Sciences
Classification: Likely benign for LIG3-related condition. Last evaluated: 2023-01-03. Review status: no assertion criteria provided. Collection method: clinical testing. Allele origin: germline.
Comment: This variant is classified as likely benign based on ACMG/AMP sequence variant interpretation guidelines (Richards et al. 2015 PMID: 25741868, with internal and published modifications).

NM_013975.4(LIG3):c.2809A>G (p.Ile937Val)

Gene: LIG3 (DNA ligase 3; plus strand). Cytogenetic location: 17q12.
Variant type: single nucleotide variant.
Coding change: c.2809A>G on transcript NM_013975.4 (MANE Select); coding-DNA position 2809, A replaced by G.
Protein change: p.Ile937Val; replaces isoleucine 937 with valine.
Molecular consequence: missense variant.
Genome position (GRCh38, 1-based): chr17:35,004,285, A>G. VCF-style: chr17-35004285-A-G. GRCh37 (hg19) VCF-style: chr17-33331304-A-G.
Other names: short protein forms I937V.
Identifiers: ClinVar variation 3054061 (VCV003054061.2), dbSNP rs139748729, ClinGen allele CA8498808.